The following is an entry in ClinVar:

NM_001166114.2(PNPLA6):c.1947-4T>A

Gene: PNPLA6 (patatin like domain 6, lysophospholipase; plus strand). Cytogenetic location: 19p13.2.
Variant type: single nucleotide variant.
Coding change: c.1947-4T>A on transcript NM_001166114.2 (MANE Select); 4 bases into the intron before coding-DNA position 1947, T replaced by A.
Molecular consequence: intron variant.
Genome position (GRCh38, 1-based): chr19:7,550,513, T>A. VCF-style: chr19-7550513-T-A. GRCh37 (hg19) VCF-style: chr19-7615399-T-A.
Other names: p.?; c.1830-4T>A (NM_006702.5, NM_001166113.1); c.1752-4T>A (NM_001166112.2); c.1974-4T>A (NM_001166111.2).
Identifiers: ClinVar variation 716294 (VCV000716294.9), dbSNP rs1345358439, ClinGen allele CA631462744.

ClinVar aggregate classification (germline): Likely benign. Review status: criteria provided, multiple submitters, no conflicts (2 of 4 stars). 2 submissions from 2 submitters: Likely benign (2). Last evaluated 2025-03-19.

Conditions:
Hereditary spastic paraplegia 39 (SPG39). Also called: Spastic Paraplegia Type 39 (SPG39); SPASTIC PARAPLEGIA 39, AUTOSOMAL RECESSIVE. Identifiers: Orphanet 139480, MedGen C2677586, MONDO:0012787, OMIM 612020.

Allele frequency attached by ClinVar (database versions not stated): gnomAD exomes below 0.00001 and 0.00001; gnomAD 0.00001; TOPMed 0.00001.
gnomAD v4.1: 18 of 1,612,886 alleles (0.0011%); highest among the groups gnomAD compares: Non-Finnish European, 0.0015%; no homozygotes.

Submissions (2):

Mayo Clinic Laboratories, Mayo Clinic
Classification: Likely benign. Last evaluated: 2025-03-19. Review status: criteria provided, single submitter. Criteria: ACMG Guidelines, 2015. Collection method: clinical testing. Allele origin: germline. Observed: 1 variant allele.
Comment: BP4, BP7

Labcorp Genetics (formerly Invitae), Labcorp
Classification: Likely benign for Hereditary spastic paraplegia 39. Last evaluated: 2024-10-24. Review status: criteria provided, single submitter. Criteria: Invitae Variant Classification Sherloc (09022015). Collection method: clinical testing. Allele origin: germline.